The following is an entry in ClinVar:

ClinVar aggregate classification (germline): Uncertain significance. Review status: criteria provided, multiple submitters, no conflicts (2 of 4 stars). 2 submissions from 2 submitters: Uncertain significance (2). Last evaluated 2024-10-30.

Conditions:
Inborn genetic diseases. Identifiers: MedGen C0950123, MeSH D030342.

Allele frequency attached by ClinVar (database versions not stated): gnomAD 0.00001 and 0.00002; gnomAD exomes 0.00001; TOPMed 0.00002.
gnomAD v4.1: 17 of 1,614,042 alleles (0.0011%); highest among the groups gnomAD compares: Non-Finnish European, 0.0014%; no homozygotes.

Submissions (2):

Labcorp Genetics (formerly Invitae), Labcorp
Classification: Uncertain significance. Last evaluated: 2024-10-30. Review status: criteria provided, single submitter. Criteria: Invitae Variant Classification Sherloc (09022015). Collection method: clinical testing. Allele origin: germline.
Comment: This sequence change replaces isoleucine, which is neutral and non-polar, with valine, which is neutral and non-polar, at codon 114 of the EMC1 protein (p.Ile114Val). This variant is present in population databases (no rsID available, gnomAD 0.007%). This variant has not been reported in the literature in individuals affected with EMC1-related conditions. ClinVar contains an entry for this variant (Variation ID: 1038642). Invitae Evidence Modeling of protein sequence and biophysical properties (such as structural, functional, and spatial information, amino acid conservation, physicochemical variation, residue mobility, and thermodynamic stability) indicates that this missense variant is not expected to disrupt EMC1 protein function with a negative predictive value of 80%. In summary, the available evidence is currently insufficient to determine the role of this variant in disease. Therefore, it has been classified as a Variant of Uncertain Significance.

Ambry Genetics
Classification: Uncertain significance for Inborn genetic diseases. Last evaluated: 2024-06-19. Review status: criteria provided, single submitter. Criteria: Ambry Variant Classification Scheme 2023. Collection method: clinical testing. Allele origin: germline.

NM_015047.3(EMC1):c.340A>G (p.Ile114Val)

Gene: EMC1 (ER membrane protein complex subunit 1; minus strand). Cytogenetic location: 1p36.13.
Variant type: single nucleotide variant.
Coding change: c.340A>G on transcript NM_015047.3 (MANE Select); coding-DNA position 340, A replaced by G.
Protein change: p.Ile114Val; replaces isoleucine 114 with valine.
Molecular consequence: missense variant.
Genome position (GRCh38, 1-based): chr1:19,243,654, T>C on the plus strand (A>G on the coding strand, the complement: EMC1 is on the minus strand). VCF-style: chr1-19243654-T-C. GRCh37 (hg19) VCF-style: chr1-19570148-T-C.
Other names: c.340A>G, p.Ile114Val (NM_001271427.2, NM_001271428.2, NM_001375820.1 and 1 more transcripts); c.274A>G, p.Ile92Val (NM_001271429.2); c.340A>G (NM_015047.1); short protein forms I114V, I92V.
Identifiers: ClinVar variation 1038642 (VCV001038642.9), dbSNP rs952391056, ClinGen allele CA18823945.
Genomic context (GRCh38, chr1:19,243,654, plus strand): 5'-AAATCCAGTTTCTCCCCTACCTGCCACTGTCCAGGGTTATCTCCCAGTTCAGGCCCCCGA[T>C]GTTAGTCTCCCAGGAACGCATGATTCGGCCTCCATTGGACACAGTGATCACATCTGGAAA-3'
Protein context (NP_055862.1, residues 104-124): GRIMRSWETN[Ile114Val]GGLNWEITLD